The following is an entry in ClinVar:

ClinVar aggregate classification (germline): Uncertain significance (1 of 4 stars; one submission).

Conditions:
Ullrich congenital muscular dystrophy 2 (UCMD2). Identifiers: Orphanet 75840, MedGen C4225314, MONDO:0014654, OMIM 616470.
Bethlem myopathy 2 (BTHLM2). Identifiers: Orphanet 536516, Orphanet 610, MedGen C4225313, MONDO:0034022, OMIM 616471.

Submission:

Labcorp Genetics (formerly Invitae), Labcorp
Classification: Uncertain significance for Bethlem myopathy 2; Ullrich congenital muscular dystrophy 2. Last evaluated: 2022-08-21. Review status: criteria provided, single submitter. Criteria: Invitae Variant Classification Sherloc (09022015). Collection method: clinical testing. Allele origin: germline.
Comment: This sequence change falls in intron 56 of the COL12A1 gene. It does not directly change the encoded amino acid sequence of the COL12A1 protein. It affects a nucleotide within the consensus splice site. In summary, the available evidence is currently insufficient to determine the role of this variant in disease. Therefore, it has been classified as a Variant of Uncertain Significance. Variants that disrupt the consensus splice site are a relatively common cause of aberrant splicing (PMID: 17576681, 9536098). Algorithms developed to predict the effect of sequence changes on RNA splicing suggest that this variant may disrupt the consensus splice site. This variant has not been reported in the literature in individuals affected with COL12A1-related conditions. This variant is not present in population databases (gnomAD no frequency).

Literature cited by the submitters: PubMed 17576681; PubMed 9536098.

NM_004370.6(COL12A1):c.8415+2dup

Gene: COL12A1 (collagen type XII alpha 1 chain; minus strand). Cytogenetic location: 6q13.
Variant type: Duplication.
Coding change: c.8415+2dup on transcript NM_004370.6 (MANE Select); the canonical splice donor site of the intron after coding-DNA position 8415, one base duplicated (T; older notation c.8415+2dupT).
Molecular consequence: splice donor variant.
Genome position (GRCh38, 1-based): chr6:75,102,595, A duplicated on the plus strand (T on the coding strand, the reverse complement: COL12A1 is on the minus strand). VCF-style (leftmost placement, unchanged base first): chr6-75102594-T-TA. GRCh37 (hg19) VCF-style: chr6-75812310-T-TA.
Other names: c.4923+2dup (NM_080645.3).
Identifiers: ClinVar variation 2025607 (VCV002025607.4), dbSNP rs2533103135, ClinGen allele CA2580075782.